The following is an entry in ClinVar:

ClinVar aggregate classification (germline): Uncertain significance (1 of 4 stars; one submission).

Submission:

Labcorp Genetics (formerly Invitae), Labcorp
Classification: Uncertain significance. Last evaluated: 2023-09-27. Review status: criteria provided, single submitter. Criteria: Invitae Variant Classification Sherloc (09022015). Collection method: clinical testing. Allele origin: germline.
Comment: This variant is not present in population databases (gnomAD no frequency). This variant has not been reported in the literature in individuals affected with CDH2-related conditions. An algorithm developed to predict the effect of missense changes on protein structure and function (PolyPhen-2) suggests that this variant is likely to be disruptive. In summary, the available evidence is currently insufficient to determine the role of this variant in disease. Therefore, it has been classified as a Variant of Uncertain Significance. This sequence change replaces valine, which is neutral and non-polar, with glycine, which is neutral and non-polar, at codon 333 of the CDH2 protein (p.Val333Gly).

NM_001792.5(CDH2):c.998T>G (p.Val333Gly)

Gene: CDH2 (cadherin 2; minus strand). Cytogenetic location: 18q12.1.
Variant type: single nucleotide variant.
Coding change: c.998T>G on transcript NM_001792.5 (MANE Select); coding-DNA position 998, T replaced by G.
Protein change: p.Val333Gly; replaces valine 333 with glycine.
Molecular consequence: missense variant.
Genome position (GRCh38, 1-based): chr18:28,003,019, A>C on the plus strand (T>G on the coding strand, the complement: CDH2 is on the minus strand). VCF-style: chr18-28003019-A-C. GRCh37 (hg19) VCF-style: chr18-25582983-A-C.
Other names: c.905T>G, p.Val302Gly (NM_001308176.2); short protein forms V302G, V333G.
Identifiers: ClinVar variation 2763857 (VCV002763857.3), dbSNP rs2510808311, ClinGen allele CA402242707.